The following is an entry in ClinVar:

NM_015102.5(NPHP4):c.2155T>G (p.Phe719Val)

Gene: NPHP4 (nephrocystin 4; minus strand). Cytogenetic location: 1p36.31.
Variant type: single nucleotide variant.
Coding change: c.2155T>G on transcript NM_015102.5 (MANE Select); coding-DNA position 2155, T replaced by G.
Protein change: p.Phe719Val; replaces phenylalanine 719 with valine.
Molecular consequence: missense variant. On other transcripts: non-coding transcript variant (1).
Genome position (GRCh38, 1-based): chr1:5,891,017, A>C on the plus strand (T>G on the coding strand, the complement: NPHP4 is on the minus strand). VCF-style: chr1-5891017-A-C. GRCh37 (hg19) VCF-style: chr1-5951077-A-C.
Other names: c.616T>G, p.Phe206Val (NM_001291593.2); c.619T>G, p.Phe207Val (NM_001291594.2); short protein forms F207V, F719V, F206V.
Identifiers: ClinVar variation 1401980 (VCV001401980.6), dbSNP rs1644098679, ClinGen allele CA338059666.

ClinVar aggregate classification (germline): Uncertain significance (1 of 4 stars; one submission).

Conditions:
Nephronophthisis. Also called: Juvenile Nephronophthisis. Identifiers: Orphanet 655, MedGen C0687120, MONDO:0019005, HP:0000090.

Allele frequency attached by ClinVar (database versions not stated): gnomAD exomes below 0.00001.
gnomAD v4.1: 1 of 1,552,770 alleles (0.000064%); highest among the groups gnomAD compares: Admixed American, 0.0018%; no homozygotes.

Submission:

Labcorp Genetics (formerly Invitae), Labcorp
Classification: Uncertain significance for Nephronophthisis. Last evaluated: 2022-08-16. Review status: criteria provided, single submitter. Criteria: Invitae Variant Classification Sherloc (09022015). Collection method: clinical testing. Allele origin: germline.
Comment: This variant has not been reported in the literature in individuals affected with NPHP4-related conditions. In summary, the available evidence is currently insufficient to determine the role of this variant in disease. Therefore, it has been classified as a Variant of Uncertain Significance. Algorithms developed to predict the effect of missense changes on protein structure and function are either unavailable or do not agree on the potential impact of this missense change (SIFT: "Deleterious"; PolyPhen-2: "Benign"; Align-GVGD: "Class C0"). ClinVar contains an entry for this variant (Variation ID: 1401980). This variant is not present in population databases (gnomAD no frequency). This sequence change replaces phenylalanine, which is neutral and non-polar, with valine, which is neutral and non-polar, at codon 719 of the NPHP4 protein (p.Phe719Val).